The following is an entry in ClinVar:

NM_001378615.1(CC2D2A):c.4295_4298del (p.Gly1431_Cys1432insTer)

Genes: CC2D2A (coiled-coil and C2 domain containing 2A; plus strand), FBXL5 (F-box and leucine rich repeat protein 5; minus strand). Cytogenetic location: 4p15.32.
Variant type: Deletion.
Coding change: c.4295_4298del on transcript NM_001378615.1 (MANE Select); coding-DNA positions 4295 to 4298, 4 bases deleted (GTTT; older notation c.4295_4298delGTTT).
Protein change: p.Gly1431_Cys1432insTer.
Molecular consequence: nonsense.
Genome position (GRCh38, 1-based): chr4:15,589,660-15,589,663, GTTT deleted; deleting any 4 consecutive bases within chr4:15,589,659-15,589,663 gives the same sequence; the c. name uses the placement nearest the transcript's 3' end. VCF-style (leftmost placement, unchanged base first): chr4-15589658-CTGTT-C. GRCh37 (hg19) VCF-style: chr4-15591281-CTGTT-C.
Other names: c.4295_4298del, p.Gly1431_Cys1432insTer (NM_001080522.2); c.4148_4151del, p.Gly1382_Cys1383insTer (NM_001378617.1).
Identifiers: ClinVar variation 598583 (VCV000598583.8), dbSNP rs1560196436, ClinGen allele CA913189502.
Genomic context (GRCh38, chr4:15,589,658, plus strand): 5'-TCCCTGCAGTGGACATTTTTATGGACAATTTGATACATTCTGTCCCTTGAAAAATGTGGG[CTGTT>C]TAATAGGTCCTGACAATGTAAGTATTAACATTTCTTCTTAAATATGGTTAGCTGTCGTTT-3'

ClinVar aggregate classification (germline): Pathogenic. Review status: criteria provided, multiple submitters, no conflicts (2 of 4 stars). 2 submissions from 2 submitters: Pathogenic (2). Last evaluated 2025-06-23.

Conditions:
Meckel-Gruber syndrome. Also called: Dysencephalia splachnocystica; DYSENCEPHALIA SPLANCHNOCYSTICA; GRUBER SYNDROME. Identifiers: Orphanet 564, MedGen C0265215, MONDO:0018921.
Joubert syndrome. Also called: Familial aplasia of the vermis; JOUBERT-BOLTSHAUSER SYNDROME. Identifiers: Orphanet 475, MedGen C5979921, MONDO:0018772.

Submissions (2):

Labcorp Genetics (formerly Invitae), Labcorp
Classification: Pathogenic for Joubert syndrome; Meckel-Gruber syndrome. Last evaluated: 2025-06-23. Review status: criteria provided, single submitter. Criteria: Invitae Variant Classification Sherloc (09022015). Collection method: clinical testing. Allele origin: germline.
Comment: This sequence change creates a premature translational stop signal (p.Cys1432*) in the CC2D2A gene. It is expected to result in an absent or disrupted protein product. Loss-of-function variants in CC2D2A are known to be pathogenic (PMID: 19777577). This variant is not present in population databases (gnomAD no frequency). This variant has not been reported in the literature in individuals affected with CC2D2A-related conditions. ClinVar contains an entry for this variant (Variation ID: 598583). For these reasons, this variant has been classified as Pathogenic.

Eurofins Ntd Llc (ga)
Classification: Pathogenic. Last evaluated: 2018-08-30. Review status: criteria provided, single submitter. Criteria: EGL ClinVar v180209 classification definitions. Collection method: clinical testing. Allele origin: germline. Observed: 1 variant allele, 1 heterozygote.

Literature cited by the submitters: PubMed 19777577 (cited by Labcorp Genetics (formerly Invitae), Labcorp).